The following is an entry in ClinVar:

NM_000059.4(BRCA2):c.4723del (p.Asp1575fs)

Gene: BRCA2 (BRCA2 DNA repair associated; plus strand). Cytogenetic location: 13q13.1.
Variant type: Deletion.
Coding change: c.4723del on transcript NM_000059.4 (MANE Select); coding-DNA position 4723, one base deleted (G; older notation c.4723delG).
Protein change: p.Asp1575fs; shifts the reading frame from aspartic acid 1575.
Molecular consequence: frameshift variant.
Genome position (GRCh38, 1-based): chr13:32,339,078, G deleted. VCF-style (leftmost placement, unchanged base first): chr13-32339077-AG-A. GRCh37 (hg19) VCF-style: chr13-32913214-AG-A.
Other names: c.4723delG (NM_000059.3); short protein forms D1575fs.
Identifiers: ClinVar variation 568747 (VCV000568747.8), dbSNP rs1566231025, ClinGen allele CA891844229.
Genomic context (GRCh38, chr13:32,339,077, plus strand): 5'-TGAAATCACCAGTTTTAGCCATCAATGGGCAAAGACCCTAAAGTACAGAGAGGCCTGTAA[AG>A]ACCTTGAATTAGCATGTGAGACCATTGAGATCACAGCTGCCCCAAAGTGTAAAGAAATGC-3'

ClinVar aggregate classification (germline): Pathogenic. Review status: criteria provided, multiple submitters, no conflicts (2 of 4 stars). 2 submissions from 2 submitters: Pathogenic (2). Last evaluated 2024-09-10.

Conditions:
Hereditary cancer-predisposing syndrome. Also called: Neoplastic Syndromes, Hereditary; Tumor predisposition; Hereditary neoplastic syndrome; Hereditary Cancer Syndrome. Identifiers: Orphanet 140162, MedGen C0027672, MeSH D009386, MONDO:0015356.
Hereditary breast ovarian cancer syndrome. Also called: Hereditary breast and ovarian cancer syndrome (HBOC); Hereditary breast and ovarian cancer; Hereditary breast and/or ovarian cancer syndrome; Hereditary breast and ovarian cancer syndrome; Breast and ovarian cancer; BRCA1- and BRCA2-Associated Hereditary Breast and Ovarian Cancer. Identifiers: Orphanet 145, MedGen C0677776, MeSH D061325, MONDO:0003582. Disease mechanism: loss of function.

Submissions (2):

Ambry Genetics
Classification: Pathogenic for Hereditary cancer-predisposing syndrome. Last evaluated: 2024-09-10. Review status: criteria provided, single submitter. Criteria: Ambry Variant Classification Scheme 2023. Collection method: clinical testing. Allele origin: germline.
Comment: The c.4723delG pathogenic mutation, located in coding exon 10 of the BRCA2 gene, results from a deletion of one nucleotide at nucleotide position 4723, causing a translational frameshift with a predicted alternate stop codon (p.D1575Tfs*4). This variant is considered to be rare based on population cohorts in the Genome Aggregation Database (gnomAD). This alteration is expected to result in loss of function by premature protein truncation or nonsense-mediated mRNA decay. As such, this alteration is interpreted as a disease-causing mutation.

Labcorp Genetics (formerly Invitae), Labcorp
Classification: Pathogenic for Hereditary breast ovarian cancer syndrome. Last evaluated: 2022-01-01. Review status: criteria provided, single submitter. Criteria: Invitae Variant Classification Sherloc (09022015). Collection method: clinical testing. Allele origin: germline.
Comment: For these reasons, this variant has been classified as Pathogenic. ClinVar contains an entry for this variant (Variation ID: 568747). This variant has not been reported in the literature in individuals affected with BRCA2-related conditions. This variant is not present in population databases (gnomAD no frequency). This sequence change creates a premature translational stop signal (p.Asp1575Thrfs*4) in the BRCA2 gene. It is expected to result in an absent or disrupted protein product. Loss-of-function variants in BRCA2 are known to be pathogenic (PMID: 20104584).

Literature cited by the submitters: PubMed 20104584 (cited by Labcorp Genetics (formerly Invitae), Labcorp).